The following is an entry in ClinVar:

ClinVar aggregate classification (germline): Uncertain significance. Review status: criteria provided, multiple submitters, no conflicts (2 of 4 stars). 5 submissions from 5 submitters: Uncertain significance (5). Last evaluated 2024-04-06.

Conditions:
Congenital myasthenic syndrome 10. Also called: Myasthenia, limb-girdle, familial. Identifiers: Orphanet 590, MedGen C1850792, MONDO:0009690, OMIM 254300.
Fetal akinesia deformation sequence 3. Identifiers: MedGen C4760599, MONDO:0100103, OMIM 618389.
Inborn genetic diseases. Identifiers: MedGen C0950123, MeSH D030342.
Fetal akinesia deformation sequence 1 (FADS1). Also called: Fetal akinesia sequence; Pena-Shokeir syndrome type I. Identifiers: Orphanet 994, MedGen C1276035, MONDO:0100101, OMIM 208150, HP:0001989.

Allele frequency attached by ClinVar (database versions not stated): ExAC 0.00014; TOPMed 0.00014; 1000 Genomes Project 30x 0.00031.
gnomAD v4.1: 221 of 1,603,778 alleles (0.014%); highest among the groups gnomAD compares: Admixed American, 0.051%; 1 homozygote.

Submissions (5):

Ambry Genetics
Classification: Uncertain significance for Inborn genetic diseases. Last evaluated: 2024-04-06. Review status: criteria provided, single submitter. Criteria: Ambry Variant Classification Scheme 2023. Collection method: clinical testing. Allele origin: germline.

Revvity Omics, Revvity
Classification: Uncertain significance. Last evaluated: 2023-09-26. Review status: criteria provided, single submitter. Criteria: ACMG Guidelines, 2015. Collection method: clinical testing. Allele origin: germline.

Labcorp Genetics (formerly Invitae), Labcorp
Classification: Uncertain significance for Congenital myasthenic syndrome 10; Fetal akinesia deformation sequence 1. Last evaluated: 2022-10-13. Review status: criteria provided, single submitter. Criteria: Invitae Variant Classification Sherloc (09022015). Collection method: clinical testing. Allele origin: germline.
Comment: This sequence change replaces alanine, which is neutral and non-polar, with valine, which is neutral and non-polar, at codon 482 of the DOK7 protein (p.Ala482Val). This variant is present in population databases (rs767980190, gnomAD 0.04%). This variant has not been reported in the literature in individuals affected with DOK7-related conditions. ClinVar contains an entry for this variant (Variation ID: 281617). Algorithms developed to predict the effect of missense changes on protein structure and function output the following: SIFT: "Tolerated"; PolyPhen-2: "Benign"; Align-GVGD: "Class C0". The valine amino acid residue is found in multiple mammalian species, which suggests that this missense change does not adversely affect protein function. In summary, the available evidence is currently insufficient to determine the role of this variant in disease. Therefore, it has been classified as a Variant of Uncertain Significance.

GeneDx
Classification: Uncertain significance. Last evaluated: 2017-08-17. Review status: criteria provided, single submitter. Criteria: GeneDx Variant Classification (06012015). Collection method: clinical testing. Allele origin: germline. Affected: yes.
Comment: A variant of uncertain significance has been identified in the DOK7 gene. The A482V variant has not been published as a pathogenic variant, nor has it been reported as a benign variant to our knowledge. The A482Vvariant is observed in 5/6046 (0.1%) alleles from individuals of Latino background (Lek et al., 2016). The A482V variant is a conservative amino acid substitution, which is not likely to impact secondary protein structure as these residues share similar properties. This substitution occurs at a position that is not conserved, and in silico predicts this variant likely does not alter the protein structure/function. Based on the currently available information, it is unclear whether this variant is a pathogenic variant or a rare benign variant.

Eurofins Ntd Llc (ga)
Classification: Uncertain significance. Last evaluated: 2015-07-02. Review status: criteria provided, single submitter. Criteria: EGL Classification Definitions 2015. Collection method: clinical testing. Allele origin: germline. Observed: 1 variant allele, 1 heterozygote.

NM_173660.5(DOK7):c.1445C>T (p.Ala482Val)

Gene: DOK7 (docking protein 7; plus strand). Cytogenetic location: 4p16.3.
Variant type: single nucleotide variant.
Coding change: c.1445C>T on transcript NM_173660.5 (MANE Select); coding-DNA position 1445, C replaced by T.
Protein change: p.Ala482Val; replaces alanine 482 with valine.
Molecular consequence: missense variant. On other transcripts: 3 prime UTR variant (1).
Genome position (GRCh38, 1-based): chr4:3,493,431, C>T. VCF-style: chr4-3493431-C-T. GRCh37 (hg19) VCF-style: chr4-3495158-C-T.
Other names: c.*666C>T (NM_001164673.2); c.515C>T, p.Ala172Val (NM_001256896.2); c.1445C>T, p.Ala482Val (NM_001301071.2); c.1013C>T, p.Ala338Val (NM_001363811.2); short protein forms A482V, A172V, A338V.
Identifiers: ClinVar variation 281617 (VCV000281617.23), dbSNP rs767980190, ClinGen allele CA2829525.